The following is an entry in ClinVar:

NM_015450.3(POT1):c.546+6T>G

Gene: POT1 (protection of telomeres 1; minus strand). Cytogenetic location: 7q31.33.
Variant type: single nucleotide variant.
Coding change: c.546+6T>G on transcript NM_015450.3 (MANE Select); 6 bases into the intron after coding-DNA position 546, T replaced by G.
Molecular consequence: intron variant.
Genome position (GRCh38, 1-based): chr7:124,863,344, A>C on the plus strand (T>G on the coding strand, the complement: POT1 is on the minus strand). VCF-style: chr7-124863344-A-C. GRCh37 (hg19) VCF-style: chr7-124503398-A-C.
Other names: c.153+6T>G (NM_001042594.2).
Identifiers: ClinVar variation 2744390 (VCV002744390.3), dbSNP rs2485479198, ClinGen allele CA2697557609.

ClinVar aggregate classification (germline): Uncertain significance (1 of 4 stars; one submission).

Conditions:
Tumor predisposition syndrome 3 (TPDS3). Also called: Glioma susceptibility 9; Melanoma, cutaneous malignant, susceptibility to, 10; LONG TELOMERE SYNDROME, POT1-RELATED; POT1 Tumor Predisposition. Identifiers: Orphanet 618, MedGen C4014476, MONDO:0014368, OMIM 615848.

Submission:

Labcorp Genetics (formerly Invitae), Labcorp
Classification: Uncertain significance for Tumor predisposition syndrome 3. Last evaluated: 2023-05-28. Review status: criteria provided, single submitter. Criteria: Invitae Variant Classification Sherloc (09022015). Collection method: clinical testing. Allele origin: germline.
Comment: This sequence change falls in intron 8 of the POT1 gene. It does not directly change the encoded amino acid sequence of the POT1 protein. It affects a nucleotide within the consensus splice site. This variant is not present in population databases (gnomAD no frequency). This variant has not been reported in the literature in individuals affected with POT1-related conditions. Variants that disrupt the consensus splice site are a relatively common cause of aberrant splicing (PMID: 17576681, 9536098). Algorithms developed to predict the effect of sequence changes on RNA splicing suggest that this variant is not likely to affect RNA splicing. In summary, the available evidence is currently insufficient to determine the role of this variant in disease. Therefore, it has been classified as a Variant of Uncertain Significance.

Literature cited by the submitters: PubMed 17576681; PubMed 9536098.